The following is an entry in ClinVar:

NM_002317.7(LOX):c.1207A>G (p.Thr403Ala)

Genes: LOX (lysyl oxidase; minus strand), SRFBP1 (serum response factor binding protein 1; plus strand). Cytogenetic location: 5q23.1.
Variant type: single nucleotide variant.
Coding change: c.1207A>G on transcript NM_002317.7 (MANE Select); coding-DNA position 1207, A replaced by G.
Protein change: p.Thr403Ala; replaces threonine 403 with alanine.
Molecular consequence: missense variant.
Genome position (GRCh38, 1-based): chr5:122,070,093, T>C on the plus strand (A>G on the coding strand, the complement: LOX is on the minus strand). VCF-style: chr5-122070093-T-C. GRCh37 (hg19) VCF-style: chr5-121405788-T-C.
Other names: c.517A>G, p.Thr173Ala (NM_001178102.2); c.316A>G, p.Thr106Ala (NM_001317073.1); short protein forms T106A, T173A, T403A.
Identifiers: ClinVar variation 1376088 (VCV001376088.9), dbSNP rs554322205, ClinGen allele CA3383818.

ClinVar aggregate classification (germline): Uncertain significance. Review status: criteria provided, multiple submitters, no conflicts (2 of 4 stars). 2 submissions from 2 submitters: Uncertain significance (2). Last evaluated 2024-12-17.

Conditions:
Cardiovascular phenotype. Identifiers: MedGen CN230736.

Allele frequency attached by ClinVar (database versions not stated): gnomAD exomes below 0.00001; ExAC 0.00001; gnomAD 0.00001; 1000 Genomes Project 30x 0.00016; 1000 Genomes Project 0.00020.
gnomAD v4.1: 2 of 1,613,200 alleles (0.00012%); highest among the groups gnomAD compares: African/African-American, 0.0027%; no homozygotes.

Submissions (2):

Ambry Genetics
Classification: Uncertain significance for Cardiovascular phenotype. Last evaluated: 2024-12-17. Review status: criteria provided, single submitter. Criteria: Ambry Variant Classification Scheme 2023. Collection method: clinical testing. Allele origin: germline.
Comment: The p.T403A variant (also known as c.1207A>G), located in coding exon 6 of the LOX gene, results from an A to G substitution at nucleotide position 1207. The threonine at codon 403 is replaced by alanine, an amino acid with similar properties. This amino acid position is conserved. In addition, the in silico prediction for this alteration is inconclusive. Since supporting evidence is limited at this time, the clinical significance of this alteration remains unclear.

Labcorp Genetics (formerly Invitae), Labcorp
Classification: Uncertain significance. Last evaluated: 2021-09-08. Review status: criteria provided, single submitter. Criteria: Invitae Variant Classification Sherloc (09022015). Collection method: clinical testing. Allele origin: germline.
Comment: This variant is present in population databases (rs554322205, ExAC 0.01%). This variant has not been reported in the literature in individuals affected with LOX-related conditions. Algorithms developed to predict the effect of missense changes on protein structure and function are either unavailable or do not agree on the potential impact of this missense change (SIFT: "Not Available"; PolyPhen-2: "Probably Damaging"; Align-GVGD: "Not Available"). In summary, the available evidence is currently insufficient to determine the role of this variant in disease. Therefore, it has been classified as a Variant of Uncertain Significance. This sequence change replaces threonine with alanine at codon 403 of the LOX protein (p.Thr403Ala). The threonine residue is highly conserved and there is a small physicochemical difference between threonine and alanine.